The following is an entry in ClinVar:

ClinVar aggregate classification (germline): Uncertain significance (1 of 4 stars; one submission).

Submission:

GeneDx
Classification: Uncertain significance. Last evaluated: 2023-06-01. Review status: criteria provided, single submitter. Criteria: GeneDx Variant Classification Process June 2021. Collection method: clinical testing. Allele origin: germline. Affected: yes.
Comment: Not observed at significant frequency in large population cohorts (gnomAD); In silico analysis supports that this missense variant has a deleterious effect on protein structure/function; Has not been previously published as pathogenic or benign to our knowledge; This variant is associated with the following publications: (PMID: 27721487)

NM_016222.4(DDX41):c.1154T>G (p.Phe385Cys)

Gene: DDX41 (DEAD-box helicase 41; minus strand). Cytogenetic location: 5q35.3.
Variant type: single nucleotide variant.
Coding change: c.1154T>G on transcript NM_016222.4 (MANE Select); coding-DNA position 1154, T replaced by G.
Protein change: p.Phe385Cys; replaces phenylalanine 385 with cysteine.
Molecular consequence: missense variant.
Genome position (GRCh38, 1-based): chr5:177,513,429, A>C on the plus strand (T>G on the coding strand, the complement: DDX41 is on the minus strand). VCF-style: chr5-177513429-A-C. GRCh37 (hg19) VCF-style: chr5-176940430-A-C.
Other names: c.776T>G, p.Phe259Cys (NM_001321732.2, NM_001321830.2); short protein forms F259C, F385C.
Identifiers: ClinVar variation 3359290 (VCV003359290.1).
Genomic context (GRCh38, chr5:177,513,429, plus strand): 5'-CTGGCAGCCCCAGCGCGCCCCACATTGATGGTCACAGGCTTTACAAGGGCACTCTTAGCA[A>C]AGTTCTGAATCTTCTTCGGCATGGTGGCACTGAAGAGCAGGGTCTGTCGCTGGCCCTGAG-3'
Protein context (NP_057306.2, residues 375-395): SATMPKKIQN[Phe385Cys]AKSALVKPVT